The following is an entry in ClinVar:

ClinVar aggregate classification (germline): Likely benign (1 of 4 stars; one submission).

Conditions:
Frank-Ter Haar syndrome. Also called: BORRONE DERMATOCARDIOSKELETAL SYNDROME; TER HAAR SYNDROME; MELNICK-NEEDLES SYNDROME, AUTOSOMAL RECESSIVE; Borrone di Rocco Crovato syndrome. Identifiers: Orphanet 1266, Orphanet 137834, MedGen C1855305, MONDO:0009579, OMIM 249420.

Allele frequency attached by ClinVar (database versions not stated): 1000 Genomes Project 30x 0.00047; 1000 Genomes Project 0.00060; TOPMed 0.00099; gnomAD exomes 0.00183; gnomAD 0.00233 and 0.00246.
gnomAD v4.1: 2,691 of 1,430,160 alleles (0.19%); highest among the groups gnomAD compares: Non-Finnish European, 0.17%; 5 homozygotes.

Submission:

Illumina Laboratory Services, Illumina
Classification: Likely benign for Frank-Ter Haar syndrome. Last evaluated: 2018-01-12. Review status: criteria provided, single submitter. Criteria: ICSL Variant Classification Criteria 13 December 2019. Collection method: clinical testing. Allele origin: germline.
Comment: This variant was observed in the ICSL laboratory as part of a predisposition screen in an ostensibly healthy population. It had not been previously curated by ICSL or reported in the Human Gene Mutation Database (HGMD: prior to June 1st, 2018), and was therefore a candidate for classification through an automated scoring system. Utilizing variant allele frequency, disease prevalence and penetrance estimates, and inheritance mode, an automated score was calculated to assess if this variant is too frequent to cause the disease. Based on the score and internal cut-off values, a variant classified as likely benign is not then subjected to further curation. The score for this variant resulted in a classification of likely benign for this disease.

NM_001017995.3(SH3PXD2B):c.*235T>C

Gene: SH3PXD2B (SH3 and PX domains 2B; minus strand). Cytogenetic location: 5q35.1.
Variant type: single nucleotide variant.
Coding change: c.*235T>C on transcript NM_001017995.3 (MANE Select); 235 bases downstream of the stop codon, T replaced by C.
Molecular consequence: 3 prime UTR variant. On other transcripts: intron variant (1).
Genome position (GRCh38, 1-based): chr5:172,338,134, A>G on the plus strand (T>C on the coding strand, the complement: SH3PXD2B is on the minus strand). VCF-style: chr5-172338134-A-G. GRCh37 (hg19) VCF-style: chr5-171765138-A-G.
Other names: c.1188+8002T>C (NM_001308175.2).
Identifiers: ClinVar variation 352798 (VCV000352798.5), dbSNP rs147011482, ClinGen allele CA10621308.